The following is an entry in ClinVar:

NM_004928.3(CFAP410):c.115_117dup (p.Met39dup)

Gene: CFAP410 (cilia and flagella associated protein 410; minus strand). Cytogenetic location: 21q22.3.
Variant type: Duplication.
Coding change: c.115_117dup on transcript NM_004928.3 (MANE Select); coding-DNA positions 115 to 117, 3 bases duplicated (ATG; older notation c.115_117dupATG).
Protein change: p.Met39dup; duplicates methionine 39.
Molecular consequence: inframe insertion. On other transcripts: initiator codon variant (1).
Genome position (GRCh38, 1-based): chr21:44,335,784-44,335,786, CAT duplicated on the plus strand (ATG on the coding strand, the reverse complement: CFAP410 is on the minus strand); duplicating any 3 consecutive bases within chr21:44,335,784-44,335,787 gives the same sequence; the c. name uses the placement nearest the transcript's 3' end. VCF-style (leftmost placement, unchanged base first): chr21-44335783-G-GCAT. GRCh37 (hg19) VCF-style: chr21-45755666-G-GCAT.
Other names: c.115_117dup, p.Met39dup (NM_001271440.2, NM_001271441.2); c.1_3dup, p.Met1dup (NM_001271442.1).
Identifiers: ClinVar variation 1433792 (VCV001433792.6), dbSNP rs2047740216, ClinGen allele CA2391592215.

ClinVar aggregate classification (germline): Uncertain significance (1 of 4 stars; one submission).

Submission:

Labcorp Genetics (formerly Invitae), Labcorp
Classification: Uncertain significance. Last evaluated: 2025-09-08. Review status: criteria provided, single submitter. Criteria: Invitae Variant Classification Sherloc (09022015). Collection method: clinical testing. Allele origin: germline.
Comment: This variant, c.115_117dup, results in the insertion of 1 amino acid(s) of the CFAP410 protein (p.Met39dup), but otherwise preserves the integrity of the reading frame. This variant is not present in population databases (gnomAD no frequency). This variant has been observed in individual(s) with CFAP410-related conditions (internal data). ClinVar contains an entry for this variant (Variation ID: 1433792). Experimental studies and prediction algorithms are not available or were not evaluated, and the functional significance of this variant is currently unknown. In summary, the available evidence is currently insufficient to determine the role of this variant in disease. Therefore, it has been classified as a Variant of Uncertain Significance.